The following is an entry in ClinVar:

NM_000256.3(MYBPC3):c.1415A>G (p.Glu472Gly)

Gene: MYBPC3 (myosin binding protein C3; minus strand). Cytogenetic location: 11p11.2.
Variant type: single nucleotide variant.
Coding change: c.1415A>G on transcript NM_000256.3 (MANE Select); coding-DNA position 1415, A replaced by G.
Protein change: p.Glu472Gly; replaces glutamic acid 472 with glycine.
Molecular consequence: missense variant.
Genome position (GRCh38, 1-based): chr11:47,342,872, T>C on the plus strand (A>G on the coding strand, the complement: MYBPC3 is on the minus strand). VCF-style: chr11-47342872-T-C. GRCh37 (hg19) VCF-style: chr11-47364423-T-C.
Other names: short protein forms E472G.
Identifiers: ClinVar variation 860788 (VCV000860788.1), dbSNP rs2095890378, ClinGen allele CA380325929.
Genomic context (GRCh38, chr11:47,342,872, plus strand): 5'-CGTGCTTCTGGAACTCACCATTTGACTTGCGCCCCCTCCTCCGATACTTCACACTCAAAC[T>C]CCACCCGCTGCCCCACCATCACCAGCTGGTCCTCCAAGGGGCGCGTGATGAGCACAGGGG-3'
Protein context (NP_000247.2, residues 462-482): DQLVMVGQRV[Glu472Gly]FECEVSEEGA

ClinVar aggregate classification (germline): Uncertain significance (1 of 4 stars; one submission).

Conditions:
Hypertrophic cardiomyopathy. Also called: HYPERTROPHIC MYOCARDIOPATHY. Identifiers: Orphanet 217569, MedGen C0007194, MeSH D002312, MONDO:0005045, HP:0001639.

Submission:

Labcorp Genetics (formerly Invitae), Labcorp
Classification: Uncertain significance for Hypertrophic cardiomyopathy. Last evaluated: 2019-12-27. Review status: criteria provided, single submitter. Criteria: Invitae Variant Classification Sherloc (09022015). Collection method: clinical testing. Allele origin: germline.
Comment: This sequence change replaces glutamic acid with glycine at codon 472 of the MYBPC3 protein (p.Glu472Gly). The glutamic acid residue is highly conserved and there is a moderate physicochemical difference between glutamic acid and glycine. This variant is not present in population databases (ExAC no frequency). This variant has not been reported in the literature in individuals with MYBPC3-related conditions. Algorithms developed to predict the effect of missense changes on protein structure and function (SIFT, PolyPhen-2, Align-GVGD) all suggest that this variant is likely to be disruptive, but these predictions have not been confirmed by published functional studies and their clinical significance is uncertain. In summary, the available evidence is currently insufficient to determine the role of this variant in disease. Therefore, it has been classified as a Variant of Uncertain Significance.